The following is an entry in ClinVar:

NC_000016.9:g.(?_8857906)_(8862850_?)del

Gene: ABAT (4-aminobutyrate aminotransferase; plus strand). Cytogenetic location: 16p13.2.
Variant type: Deletion.
Identifiers: ClinVar variation 2426573 (VCV002426573.5).

ClinVar aggregate classification (germline): Uncertain significance (1 of 4 stars; one submission).

Conditions:
Gamma-aminobutyric acid transaminase deficiency (GABATD). Also called: GABA transaminase deficiency; Gamma aminobutyrate transaminase deficiency; 4 alpha aminobutyrate transaminase deficiency; GABA aminotransaminase deficiency. Identifiers: Orphanet 2066, MedGen C0342708, MONDO:0013166, OMIM 613163.

Submission:

Labcorp Genetics (formerly Invitae), Labcorp
Classification: Uncertain significance for Gamma-aminobutyric acid transaminase deficiency. Last evaluated: 2022-03-11. Review status: criteria provided, single submitter. Criteria: Invitae Variant Classification Sherloc (09022015). Collection method: clinical testing. Allele origin: germline.
Comment: In summary, the available evidence is currently insufficient to determine the role of this variant in disease. Therefore, it has been classified as a Variant of Uncertain Significance. This variant disrupts a region of the ABAT protein in which other variant(s) (p.Pro152Ser) have been observed in individuals with ABAT-related conditions (PMID: 27903293). This suggests that this is a clinically significant region of the protein, and that variants that disrupt it are likely to be disease-causing. This variant has not been reported in the literature in individuals affected with ABAT-related conditions. This variant is a gross deletion of the genomic region encompassing exon(s) 7-11 of the ABAT gene. This variant would be expected to be in-frame, preserving the integrity of the reading frame.

Literature cited by the submitters: PubMed 27903293.